The following is an entry in ClinVar:

NM_001253697.2(ERBIN):c.2144C>G (p.Ser715Ter)

Gene: ERBIN (erbb2 interacting protein; plus strand). Cytogenetic location: 5q12.3.
Variant type: single nucleotide variant.
Coding change: c.2144C>G on transcript NM_001253697.2 (MANE Select); coding-DNA position 2144, C replaced by G.
Protein change: p.Ser715Ter; replaces serine 715 with a stop codon.
Molecular consequence: nonsense.
Genome position (GRCh38, 1-based): chr5:66,053,462, C>G. VCF-style: chr5-66053462-C-G. GRCh37 (hg19) VCF-style: chr5-65349290-C-G.
Other names: c.2144C>G, p.Ser715Ter (NM_001006600.3, NM_001253698.2, NM_001253699.2 and 1 more transcripts); c.2132C>G, p.Ser711Ter (NM_001253701.2); short protein forms S711*, S715*.
Identifiers: ClinVar variation 4999196 (VCV004999196.1).

ClinVar aggregate classification (germline): Uncertain significance (1 of 4 stars; one submission).

Conditions:
ERBIN-related disorder. Also called: ERBIN-related condition.

Submission:

PreventionGenetics, part of Exact Sciences
Classification: Uncertain significance for ERBIN-related condition. Last evaluated: 2025-07-09. Review status: criteria provided, single submitter. Criteria: ACMG Guidelines, 2015. Collection method: clinical testing. Allele origin: germline.
Comment: The ERBIN c.2144C>G variant is predicted to result in premature protein termination (p.Ser715*). To our knowledge, this variant has not been reported in the literature or in a large population database (gnomAD), indicating this variant is rare. Although we suspect that this variant may be pathogenic, at this time, the clinical significance of this variant is uncertain due to the absence of conclusive functional and genetic evidence.